The following is an entry in ClinVar:

ClinVar aggregate classification (germline): Pathogenic (1 of 4 stars; one submission).

Conditions:
Hereditary breast ovarian cancer syndrome. Also called: BRCA1- and BRCA2-Associated Hereditary Breast and Ovarian Cancer; Hereditary breast and ovarian cancer syndrome; Hereditary breast and ovarian cancer syndrome (HBOC); Hereditary breast and/or ovarian cancer syndrome; Breast and ovarian cancer; Hereditary breast and ovarian cancer. Identifiers: Orphanet 145, MedGen C0677776, MeSH D061325, MONDO:0003582. Disease mechanism: loss of function.

Submission:

Labcorp Genetics (formerly Invitae), Labcorp
Classification: Pathogenic for Hereditary breast ovarian cancer syndrome. Last evaluated: 2018-12-05. Review status: criteria provided, single submitter. Criteria: Invitae Variant Classification Sherloc (09022015). Collection method: clinical testing. Allele origin: germline.
Comment: For these reasons, this variant has been classified as Pathogenic. Loss-of-function variants in BRCA1 are known to be pathogenic (PMID: 20104584). This variant has not been reported in the literature in individuals with BRCA1-related conditions. This variant is not present in population databases (ExAC no frequency). This sequence change creates a premature translational stop signal (p.Gln1323*) in the BRCA1 gene. It is expected to result in an absent or disrupted protein product.

Literature cited by the submitters: PubMed 20104584.

NM_007294.4(BRCA1):c.3967_3970del (p.Lys1322_Gln1323insTer)

Genes: BRCA1 (BRCA1 DNA repair associated; minus strand), LOC126862571 (BRD4-independent group 4 enhancer GRCh37_chr17:41243136-41244335; plus strand). Cytogenetic location: 17q21.31.
Variant type: Microsatellite.
Coding change: c.3967_3970del on transcript NM_007294.4 (MANE Select); coding-DNA positions 3967 to 3970, 4 bases deleted (CAAA; older notation c.3967_3970delCAAA).
Protein change: p.Lys1322_Gln1323insTer.
Molecular consequence: nonsense. On other transcripts: frameshift variant (1), intron variant (135).
Genome position (GRCh38, 1-based): chr17:43,091,561-43,091,564, TTTG deleted on the plus strand (CAAA on the coding strand, the reverse complement: BRCA1 is on the minus strand); deleting any 4 consecutive bases within chr17:43,091,561-43,091,568 gives the same sequence; the c. name uses the placement nearest the transcript's 3' end. VCF-style (leftmost placement, unchanged base first): chr17-43091560-ATTTG-A. GRCh37 (hg19) VCF-style: chr17-41243577-ATTTG-A.
Other names: c.3967_3970delCAAA (NM_007294.3); c.3754_3757del, p.Lys1251_Gln1252insTer (NM_001407571.1, NM_001407853.1, NM_001407894.1 and 9 more transcripts); c.3967_3970del, p.Lys1322_Gln1323insTer (NM_001407581.1, NM_001407582.1, NM_001407583.1 and 30 more transcripts); c.3964_3967del, p.Lys1321_Gln1322insTer (NM_001407587.1, NM_001407590.1, NM_001407591.1 and 22 more transcripts); c.3958_3961del, p.Lys1319_Gln1320insTer (NM_001407646.1, NM_001407647.1); c.3844_3847del, p.Lys1281_Gln1282insTer (NM_001407648.1, NM_001407664.1, NM_001407665.1 and 19 more transcripts); c.3841_3844del, p.Lys1280_Gln1281insTer (NM_001407649.1, NM_001407670.1, NM_001407671.1 and 11 more transcripts); c.3889_3892del, p.Lys1296_Gln1297insTer (NM_001407653.1, NM_001407654.1, NM_001407655.1 and 4 more transcripts); and 42 more.
Identifiers: ClinVar variation 659249 (VCV000659249.10), dbSNP rs1597860167, ClinGen allele CA915950094.